The following is an entry in ClinVar:

NM_000075.4(CDK4):c.253C>G (p.Arg85Gly)

Gene: CDK4 (cyclin dependent kinase 4; minus strand). Cytogenetic location: 12q14.1.
Variant type: single nucleotide variant.
Coding change: c.253C>G on transcript NM_000075.4 (MANE Select); coding-DNA position 253, C replaced by G.
Protein change: p.Arg85Gly; replaces arginine 85 with glycine.
Molecular consequence: missense variant.
Genome position (GRCh38, 1-based): chr12:57,751,308, G>C on the plus strand (C>G on the coding strand, the complement: CDK4 is on the minus strand). VCF-style: chr12-57751308-G-C. GRCh37 (hg19) VCF-style: chr12-58145091-G-C.
Other names: short protein forms R85G.
Identifiers: ClinVar variation 663692 (VCV000663692.10), dbSNP rs759017803, ClinGen allele CA385548191.

ClinVar aggregate classification (germline): Uncertain significance. Review status: criteria provided, multiple submitters, no conflicts (2 of 4 stars). 2 submissions from 2 submitters: Uncertain significance (2). Last evaluated 2023-05-06.

Conditions:
Familial melanoma. Also called: Hereditary melanoma; Hereditary cutaneous melanoma. Identifiers: Orphanet 618, MedGen C1512419, MONDO:0018961.
Hereditary cancer-predisposing syndrome. Also called: Neoplastic Syndromes, Hereditary; Tumor predisposition; Hereditary neoplastic syndrome; Hereditary Cancer Syndrome. Identifiers: Orphanet 140162, MedGen C0027672, MeSH D009386, MONDO:0015356.

gnomAD v4.1: 1 of 1,614,088 alleles (0.000062%); highest among the groups gnomAD compares: Non-Finnish European, 0.000085%; no homozygotes.

Submissions (2):

Ambry Genetics
Classification: Uncertain significance for Hereditary cancer-predisposing syndrome. Last evaluated: 2023-05-06. Review status: criteria provided, single submitter. Criteria: Ambry Variant Classification Scheme 2023. Collection method: clinical testing. Allele origin: germline.
Comment: The p.R85G variant (also known as c.253C>G), located in coding exon 2 of the CDK4 gene, results from a C to G substitution at nucleotide position 253. The arginine at codon 85 is replaced by glycine, an amino acid with dissimilar properties. This amino acid position is conserved. In addition, this alteration is predicted to be tolerated by in silico analysis. Since supporting evidence is limited at this time, the clinical significance of this alteration remains unclear.

Labcorp Genetics (formerly Invitae), Labcorp
Classification: Uncertain significance for Familial melanoma. Last evaluated: 2018-12-25. Review status: criteria provided, single submitter. Criteria: Invitae Variant Classification Sherloc (09022015). Collection method: clinical testing. Allele origin: germline.
Comment: This variant is not present in population databases (ExAC no frequency). In summary, the available evidence is currently insufficient to determine the role of this variant in disease. Therefore, it has been classified as a Variant of Uncertain Significance. Algorithms developed to predict the effect of missense changes on protein structure and function are either unavailable or do not agree on the potential impact of this missense change (SIFT: "Deleterious"; PolyPhen-2: "Benign"; Align-GVGD: "Class C0"). This variant has not been reported in the literature in individuals with CDK4-related conditions. This sequence change replaces arginine with glycine at codon 85 of the CDK4 protein (p.Arg85Gly). The arginine residue is moderately conserved and there is a moderate physicochemical difference between arginine and glycine.